The following is an entry in ClinVar:

ClinVar aggregate classification (germline): Uncertain significance (1 of 4 stars; one submission).

Conditions:
Dihydropyrimidine dehydrogenase deficiency (DPYDD). Also called: DPD DEFICIENCY; DPYD DEFICIENCY; Hereditary Thymine-Uraciluria. Identifiers: Orphanet 1675, MedGen C1959620, MONDO:0010130, OMIM 274270.

Submission:

Myriad Genetics, Inc.
Classification: Uncertain significance for Dihydropyrimidine dehydrogenase deficiency. Last evaluated: 2026-02-02. Review status: criteria provided, single submitter. Criteria: Myriad Autosomal Dominant, Autosomal Recessive and X-Linked Classification Criteria (2023). Collection method: clinical testing. Allele origin: unknown.
Comment: NM_000110.3(DPYD):c.958+2T>G is a variant in a canonical splice site classified as a variant of uncertain significance in the context of dihydropyrimidine dehydrogenase deficiency. c.958+2T>G has not been observed in cases with relevant disease. Relevant functional assessments of this variant are not available in the literature. c.958+2T>G has not been observed in referenced population frequency databases. In summary, there is insufficient evidence to classify NM_000110.3(DPYD):c.958+2T>G as pathogenic or benign. Please note: this variant was assessed in the context of healthy population screening.

NM_000110.4(DPYD):c.958+2T>G

Gene: DPYD (dihydropyrimidine dehydrogenase; minus strand). Cytogenetic location: 1p21.3.
Variant type: single nucleotide variant.
Coding change: c.958+2T>G on transcript NM_000110.4 (MANE Select); the canonical splice donor site of the intron after coding-DNA position 958, T replaced by G.
Molecular consequence: splice donor variant.
Genome position (GRCh38, 1-based): chr1:97,595,057, A>C on the plus strand (T>G on the coding strand, the complement: DPYD is on the minus strand). VCF-style: chr1-97595057-A-C. GRCh37 (hg19) VCF-style: chr1-98060613-A-C.
Identifiers: ClinVar variation 5003331 (VCV005003331.1).